The following is an entry in ClinVar:

NM_001042492.3(NF1):c.3319T>C (p.Phe1107Leu)

Gene: NF1 (neurofibromin 1; plus strand). Cytogenetic location: 17q11.2.
Variant type: single nucleotide variant.
Coding change: c.3319T>C on transcript NM_001042492.3 (MANE Select); coding-DNA position 3319, T replaced by C.
Protein change: p.Phe1107Leu; replaces phenylalanine 1107 with leucine.
Molecular consequence: missense variant.
Genome position (GRCh38, 1-based): chr17:31,232,704, T>C. VCF-style: chr17-31232704-T-C. GRCh37 (hg19) VCF-style: chr17-29559722-T-C.
Other names: c.3319T>C, p.Phe1107Leu (NM_000267.4); short protein forms F1107L.
Identifiers: ClinVar variation 4038686 (VCV004038686.1).

ClinVar aggregate classification (germline): Uncertain significance (1 of 4 stars; one submission).

Conditions:
Cardiovascular phenotype. Identifiers: MedGen CN230736.
Hereditary cancer-predisposing syndrome. Also called: Neoplastic Syndromes, Hereditary; Tumor predisposition; Hereditary neoplastic syndrome; Hereditary Cancer Syndrome. Identifiers: Orphanet 140162, MedGen C0027672, MeSH D009386, MONDO:0015356.

gnomAD v4.1: 1 of 1,613,906 alleles (0.000062%); highest among the groups gnomAD compares: Non-Finnish European, 0.000085%; no homozygotes.

Submission:

Ambry Genetics
Classification: Uncertain significance for Cardiovascular phenotype; Hereditary cancer-predisposing syndrome. Last evaluated: 2025-06-14. Review status: criteria provided, single submitter. Criteria: Ambry Variant Classification Scheme 2023. Collection method: clinical testing. Allele origin: germline.
Comment: The p.F1107L variant (also known as c.3319T>C), located in coding exon 26 of the NF1 gene, results from a T to C substitution at nucleotide position 3319. The phenylalanine at codon 1107 is replaced by leucine, an amino acid with highly similar properties. This amino acid position is conserved. In addition, the in silico prediction for this alteration is inconclusive. Based on the available evidence, the clinical significance of this variant remains unclear.